The following is an entry in ClinVar:

ClinVar aggregate classification (germline): Uncertain significance (1 of 4 stars; one submission).

Allele frequency attached by ClinVar (database versions not stated): gnomAD 0.00001; TOPMed 0.00001.
gnomAD v4.1: 11 of 1,609,722 alleles (0.00068%); highest among the groups gnomAD compares: Non-Finnish European, 0.00093%; no homozygotes.

Submission:

Labcorp Genetics (formerly Invitae), Labcorp
Classification: Uncertain significance. Last evaluated: 2021-08-16. Review status: criteria provided, single submitter. Criteria: Invitae Variant Classification Sherloc (09022015). Collection method: clinical testing. Allele origin: germline.
Comment: This sequence change replaces threonine with asparagine at codon 167 of the COL18A1 protein (p.Thr167Asn). The COL18A1 gene has multiple clinically relevant transcripts. This variant occurs in alternate transcript NM_030582.3, and corresponds to NM_130445.3:c.107-12212C>A in the primary transcript. This variant is not present in population databases (ExAC no frequency). This variant has not been reported in the literature in individuals affected with COL18A1-related conditions. Experimental studies and prediction algorithms are not available or were not evaluated, and the functional significance of this variant is currently unknown. In summary, the available evidence is currently insufficient to determine the role of this variant in disease. Therefore, it has been classified as a Variant of Uncertain Significance.

NM_001379500.1(COL18A1):c.107-12212C>A

Gene: COL18A1 (collagen type XVIII alpha 1 chain; plus strand). Cytogenetic location: 21q22.3.
Variant type: single nucleotide variant.
Coding change: c.107-12212C>A on transcript NM_001379500.1 (MANE Select); 12212 bases into the intron before coding-DNA position 107, C replaced by A.
Molecular consequence: intron variant. On other transcripts: missense variant (2).
Genome position (GRCh38, 1-based): chr21:45,456,030, C>A. VCF-style: chr21-45456030-C-A. GRCh37 (hg19) VCF-style: chr21-46875944-C-A.
Other names: c.500C>A, p.Thr167Asn (NM_030582.4, NM_130444.3); short protein forms T167N.
Identifiers: ClinVar variation 1402298 (VCV001402298.3), dbSNP rs999764376, ClinGen allele CA321894990.
Genomic context (GRCh38, chr21:45,456,030, plus strand): 5'-CTCCTGTGGGCCCCCTTGCCCTCGCTGGGCCTTCCAGCACCCCCCAGGAGAATGGGACCA[C>A]TCTCTGGCCCAGCCGTGGCATTCCTAGCTCTCCGGGCGCCCACACAACCGAGGCTGGCAC-3'